The following is an entry in ClinVar:

ClinVar aggregate classification (germline): Uncertain significance. Review status: criteria provided, multiple submitters, no conflicts (2 of 4 stars). 3 submissions from 3 submitters: Uncertain significance (3). Last evaluated 2024-05-08.

Conditions:
Familial cancer of breast. Also called: BREAST CANCER, FAMILIAL; hereditary breast carcinoma; Hereditary breast cancer. Identifiers: Orphanet 227535, MedGen C0346153, MONDO:0016419, OMIM 114480. Disease mechanism: loss of function.
Fanconi anemia complementation group J. Also called: BRIP1-Related Fanconi Anemia. Identifiers: Orphanet 84, MedGen C1836860, MONDO:0012187, OMIM 609054.

gnomAD v4.1: 1 of 1,610,512 alleles (0.000062%); no homozygotes.

Submissions (3):

GeneDx
Classification: Uncertain significance. Last evaluated: 2024-05-08. Review status: criteria provided, single submitter. Criteria: GeneDx Variant Classification Process June 2021. Collection method: clinical testing. Allele origin: germline. Affected: yes.
Comment: Not observed at significant frequency in large population cohorts (gnomAD); In silico analysis supports that this missense variant has a deleterious effect on protein structure/function; Has not been previously published as pathogenic or benign to our knowledge; This variant is associated with the following publications: (PMID: 11301010)

Blueprint Genetics
Classification: Uncertain significance. Last evaluated: 2023-07-19. Review status: criteria provided, single submitter. Criteria: ACMG Guidelines, 2015. Collection method: clinical testing. Allele origin: germline.

Labcorp Genetics (formerly Invitae), Labcorp
Classification: Uncertain significance for Familial cancer of breast; Fanconi anemia complementation group J. Last evaluated: 2022-11-08. Review status: criteria provided, single submitter. Criteria: Invitae Variant Classification Sherloc (09022015). Collection method: clinical testing. Allele origin: germline.
Comment: In summary, the available evidence is currently insufficient to determine the role of this variant in disease. Therefore, it has been classified as a Variant of Uncertain Significance. Advanced modeling of protein sequence and biophysical properties (such as structural, functional, and spatial information, amino acid conservation, physicochemical variation, residue mobility, and thermodynamic stability) performed at Invitae indicates that this missense variant is expected to disrupt BRIP1 protein function. This variant has not been reported in the literature in individuals affected with BRIP1-related conditions. This variant is not present in population databases (gnomAD no frequency). This sequence change replaces serine, which is neutral and polar, with phenylalanine, which is neutral and non-polar, at codon 614 of the BRIP1 protein (p.Ser614Phe).

NM_032043.3(BRIP1):c.1841C>T (p.Ser614Phe)

Gene: BRIP1 (BRCA1 interacting DNA helicase 1; minus strand). Cytogenetic location: 17q23.2.
Variant type: single nucleotide variant.
Coding change: c.1841C>T on transcript NM_032043.3 (MANE Select); coding-DNA position 1841, C replaced by T.
Protein change: p.Ser614Phe; replaces serine 614 with phenylalanine.
Molecular consequence: missense variant.
Genome position (GRCh38, 1-based): chr17:61,780,355, G>A on the plus strand (C>T on the coding strand, the complement: BRIP1 is on the minus strand). VCF-style: chr17-61780355-G-A. GRCh37 (hg19) VCF-style: chr17-59857716-G-A.
Other names: short protein forms S614F.
Identifiers: ClinVar variation 2941388 (VCV002941388.5), dbSNP rs2145079467, ClinGen allele CA400480134.